The following is an entry in ClinVar:

NM_002734.5(PRKAR1A):c.348+3A>G

Gene: PRKAR1A (protein kinase cAMP-dependent type I regulatory subunit alpha; plus strand). Cytogenetic location: 17q24.2.
Variant type: single nucleotide variant.
Coding change: c.348+3A>G on transcript NM_002734.5 (MANE Select); 3 bases into the intron after coding-DNA position 348, A replaced by G.
Molecular consequence: intron variant.
Genome position (GRCh38, 1-based): chr17:68,522,929, A>G. VCF-style: chr17-68522929-A-G. GRCh37 (hg19) VCF-style: chr17-66519070-A-G.
Other names: c.348+3A>G (NM_001278433.2, NM_001369389.1, NM_212471.3 and 4 more transcripts).
Identifiers: ClinVar variation 4862505 (VCV004862505.1).

ClinVar aggregate classification (germline): Uncertain significance (1 of 4 stars; one submission).

Conditions:
Hereditary cancer-predisposing syndrome. Also called: Neoplastic Syndromes, Hereditary; Tumor predisposition; Hereditary Cancer Syndrome; Hereditary neoplastic syndrome. Identifiers: Orphanet 140162, MedGen C0027672, MeSH D009386, MONDO:0015356.

gnomAD v4.1: 1 of 1,613,474 alleles (0.000062%); highest among the groups gnomAD compares: Non-Finnish European, 0.000085%; no homozygotes.

Submission:

Ambry Genetics
Classification: Uncertain significance for Hereditary cancer-predisposing syndrome. Last evaluated: 2026-04-15. Review status: criteria provided, single submitter. Criteria: Ambry Variant Classification Scheme 2023. Collection method: clinical testing. Allele origin: germline.
Comment: The c.348+3A>G intronic variant results from an A to G substitution 3 nucleotides after coding exon 2 in the PRKAR1A gene. This nucleotide position is highly conserved in available vertebrate species. In silico splice site analysis for this alteration is inconclusive. Based on the available evidence, the clinical significance of this variant remains unclear.